The following is an entry in ClinVar:

NM_020361.5(CPA6):c.-11_-10del

Gene: CPA6 (carboxypeptidase A6; minus strand). Cytogenetic location: 8q13.2.
Variant type: Deletion.
Coding change: c.-11_-10del on transcript NM_020361.5 (MANE Select); 11 bases upstream of the start codon through 10 bases upstream of the start codon, 2 bases deleted (TT; older notation c.-11_-10delTT).
Molecular consequence: 5 prime UTR variant.
Genome position (GRCh38, 1-based): chr8:67,746,139-67,746,140, AA deleted on the plus strand (TT on the coding strand, the reverse complement: CPA6 is on the minus strand). VCF-style (leftmost placement, unchanged base first): chr8-67746138-GAA-G. GRCh37 (hg19) VCF-style: chr8-68658373-GAA-G.
Identifiers: ClinVar variation 363615 (VCV000363615.8), dbSNP rs531326049, ClinGen allele CA4773128.

ClinVar aggregate classification (germline): Uncertain significance. Review status: criteria provided, single submitter (1 of 4 stars). 2 submissions from 2 submitters: Uncertain significance (1). 1 of the submissions does not count toward it.

Conditions:
CPA6-related disorder. Also called: CPA6-related condition.

Allele frequency attached by ClinVar (database versions not stated): gnomAD 0.00031 and 0.00044; TOPMed 0.00039; gnomAD exomes 0.00041 and 0.00083; ExAC 0.00103; 1000 Genomes Project 30x 0.00156; 1000 Genomes Project 0.00180.

Submissions (2):

Breakthrough Genomics
Classification: Uncertain significance. Review status: criteria provided, single submitter. Criteria: ACMG Guidelines, 2015. Collection method: not provided. Allele origin: germline. Inheritance: Autosomal recessive inheritance. Affected: yes.

PreventionGenetics, part of Exact Sciences
Classification: Likely benign for CPA6-related condition. Last evaluated: 2020-02-26. Review status: no assertion criteria provided. Collection method: clinical testing. Allele origin: germline. Not counted in ClinVar's aggregate classification.
Comment: This variant is classified as likely benign based on ACMG/AMP sequence variant interpretation guidelines (Richards et al. 2015 PMID: 25741868, with internal and published modifications).